The following is an entry in ClinVar:

NM_016277.5(RAB23):c.301T>G (p.Ser101Ala)

Gene: RAB23 (RAB23, member RAS oncogene family; minus strand). Cytogenetic location: 6p12.1.
Variant type: single nucleotide variant.
Coding change: c.301T>G on transcript NM_016277.5 (MANE Select); coding-DNA position 301, T replaced by G.
Protein change: p.Ser101Ala; replaces serine 101 with alanine.
Molecular consequence: missense variant.
Genome position (GRCh38, 1-based): chr6:57,196,547, A>C on the plus strand (T>G on the coding strand, the complement: RAB23 is on the minus strand). VCF-style: chr6-57196547-A-C. GRCh37 (hg19) VCF-style: chr6-57061345-A-C.
Other names: c.301T>G, p.Ser101Ala (NM_001278666.2, NM_001278667.2, NM_001278668.2 and 1 more transcripts); short protein forms S101A.
Identifiers: ClinVar variation 357644 (VCV000357644.49), dbSNP rs45479896, ClinGen allele CA3873855.

ClinVar aggregate classification (germline): Benign/Likely benign. Review status: criteria provided, multiple submitters, no conflicts (2 of 4 stars). 8 submissions from 8 submitters: Benign (1); Likely benign (5). 2 of the submissions do not count toward it. Last evaluated 2026-07-01.

Conditions:
RAB23-related Carpenter syndrome. Also called: Carpenter syndrome 1; ACPS II. Identifiers: Orphanet 65759, MedGen C4551510, MONDO:0008710, OMIM 201000.
RAB23-related disorder. Also called: RAB23-related condition.
Carpenter syndrome. Identifiers: Orphanet 65759, MedGen C1275078, MONDO:0019012.

Allele frequency attached by ClinVar (database versions not stated): 1000 Genomes Project 0.00399; 1000 Genomes Project 30x 0.00406; TOPMed 0.00511; gnomAD 0.00575 and 0.00589; gnomAD exomes 0.00600; ExAC 0.00635; ESP Exome Variant Server 0.00669.
gnomAD v4.1: 11,138 of 1,614,042 alleles (0.69%); highest among the groups gnomAD compares: Non-Finnish European, 0.78%; 62 homozygotes.

Submissions (8):

CeGaT Center for Human Genetics Tuebingen
Classification: Likely benign. Last evaluated: 2026-07-01. Review status: criteria provided, single submitter. Criteria: CeGaT Center For Human Genetics Tuebingen Variant Classification Criteria Version 2. Collection method: clinical testing. Allele origin: germline. Affected: yes. Observed: 10 variant alleles.
Comment: RAB23: BP4, BS2

Labcorp Genetics (formerly Invitae), Labcorp
Classification: Benign for Carpenter syndrome. Last evaluated: 2026-02-04. Review status: criteria provided, single submitter. Criteria: Invitae Variant Classification Sherloc (09022015). Collection method: clinical testing. Allele origin: germline.

Blueprint Genetics
Classification: Likely benign. Last evaluated: 2024-11-25. Review status: criteria provided, single submitter. Criteria: ACMG Guidelines, 2015. Collection method: clinical testing. Allele origin: germline.

GeneDx
Classification: Likely benign. Last evaluated: 2024-07-23. Review status: criteria provided, single submitter. Criteria: GeneDx Variant Classification Process June 2021. Collection method: clinical testing. Allele origin: germline. Affected: yes.
Comment: See Variant Classification Assertion Criteria.

Genome-Nilou Lab
Classification: Likely benign for RAB23-related Carpenter syndrome. Last evaluated: 2021-05-18. Review status: criteria provided, single submitter. Criteria: ACMG Guidelines, 2015. Collection method: clinical testing. Allele origin: germline. Affected: no.

Center for Pediatric Genomic Medicine, Children's Mercy Hospital and Clinics
Classification: Likely benign. Last evaluated: 2017-01-27. Review status: criteria provided, single submitter. Criteria: ACMG Guidelines, 2015. Collection method: clinical testing. Allele origin: germline.
ClinVar note: Converted during submission from Likely Benign to Likely benign.

Natera, Inc.
Classification: Benign for Carpenter syndrome 1. Last evaluated: 2019-10-28. Review status: no assertion criteria provided. Collection method: clinical testing. Allele origin: germline. Not counted in ClinVar's aggregate classification.

PreventionGenetics, part of Exact Sciences
Classification: Benign for RAB23-related condition. Last evaluated: 2019-09-05. Review status: no assertion criteria provided. Collection method: clinical testing. Allele origin: germline. Not counted in ClinVar's aggregate classification.
Comment: This variant is classified as benign based on ACMG/AMP sequence variant interpretation guidelines (Richards et al. 2015 PMID: 25741868, with internal and published modifications).